The following is an entry in ClinVar:

ClinVar aggregate classification (germline): Conflicting classifications of pathogenicity. Review status: criteria provided, conflicting classifications (1 of 4 stars). 4 submissions from 3 submitters: Uncertain significance (1); Benign (2); Likely benign (1). Last evaluated 2021-05-12.

Conditions:
Dilated cardiomyopathy 1X (CMD1X). Also called: FKTN-Related Dilated Cardiomyopathy; CARDIOMYOPATHY, DILATED, WITH MILD OR NO PROXIMAL MUSCLE WEAKNESS. Identifiers: Orphanet 154, MedGen C1969024, MONDO:0012704, OMIM 611615.
Muscular dystrophy-dystroglycanopathy (congenital with brain and eye anomalies), type A, 4 (MDDGA4). Also called: Fukuyama congenital muscular dystrophy; Muscular dystrophy, congenital progressive, with mental retardation; Muscular dystrophy, congenital, with central nervous system involvement; Cerebromuscular dystrophy, Fukuyama type; Congenital muscular dystrophy-dystroglycanopathy with brain and eye anomalies, type A4; Walker-Warburg Syndrome, Fktn-Related. Identifiers: Orphanet 272, Orphanet 588, Orphanet 899, MedGen C0410174, MONDO:0009678, OMIM 253800.

Allele frequency attached by ClinVar (database versions not stated): TOPMed 0.01013; 1000 Genomes Project 0.01038; 1000 Genomes Project 30x 0.01093.

Submissions (4):

GeneDx
Classification: Likely benign. Last evaluated: 2021-05-12. Review status: criteria provided, single submitter. Criteria: GeneDx Variant Classification Process June 2021. Collection method: clinical testing. Allele origin: germline. Affected: yes.

Blueprint Genetics
Classification: Benign. Last evaluated: 2018-05-28. Review status: criteria provided, single submitter. Criteria: ACMG Guidelines, 2015. Collection method: clinical testing. Allele origin: germline.

Illumina Laboratory Services, Illumina
Classification: Uncertain significance for Dilated cardiomyopathy 1X. Last evaluated: 2018-01-12. Review status: criteria provided, single submitter. Criteria: ICSL Variant Classification Criteria 13 December 2019. Collection method: clinical testing. Allele origin: germline.

Illumina Laboratory Services, Illumina
Classification: Benign for Muscular dystrophy-dystroglycanopathy (congenital with brain and eye anomalies), type A, 4. Last evaluated: 2018-01-12. Review status: criteria provided, single submitter. Criteria: ICSL Variant Classification Criteria 13 December 2019. Collection method: clinical testing. Allele origin: germline.
Comment: This variant was observed in the ICSL laboratory as part of a predisposition screen in an ostensibly healthy population. It had not been previously curated by ICSL or reported in the Human Gene Mutation Database (HGMD: prior to June 1st, 2018), and was therefore a candidate for classification through an automated scoring system. Utilizing variant allele frequency, disease prevalence and penetrance estimates, and inheritance mode, an automated score was calculated to assess if this variant is too frequent to cause the disease. Based on the score and internal cut-off values, a variant classified as benign is not then subjected to further curation. The score for this variant resulted in a classification of benign for this disease.

NM_001079802.2(FKTN):c.*806G>C

Gene: FKTN (fukutin; plus strand). Cytogenetic location: 9q31.2.
Variant type: single nucleotide variant.
Coding change: c.*806G>C on transcript NM_001079802.2 (MANE Select); 806 bases downstream of the stop codon, G replaced by C.
Molecular consequence: 3 prime UTR variant. On other transcripts: non-coding transcript variant (2), intron variant (1).
Genome position (GRCh38, 1-based): chr9:105,636,070, G>C. VCF-style: chr9-105636070-G-C. GRCh37 (hg19) VCF-style: chr9-108398351-G-C.
Other names: c.*806G>C (NM_001351496.2, NM_001351497.2, NM_001351499.2 and 4 more transcripts); c.*984G>C (NM_001351498.2); c.1270+922G>C (NM_001198963.2).
Identifiers: ClinVar variation 912537 (VCV000912537.6), dbSNP rs75971372, ClinGen allele CA197462526.